The following is an entry in ClinVar:

NM_000222.3(KIT):c.920T>C (p.Val307Ala)

Gene: KIT (KIT proto-oncogene, receptor tyrosine kinase; plus strand). Cytogenetic location: 4q12.
Variant type: single nucleotide variant.
Coding change: c.920T>C on transcript NM_000222.3 (MANE Select); coding-DNA position 920, T replaced by C.
Protein change: p.Val307Ala; replaces valine 307 with alanine.
Molecular consequence: missense variant.
Genome position (GRCh38, 1-based): chr4:54,703,887, T>C. VCF-style: chr4-54703887-T-C. GRCh37 (hg19) VCF-style: chr4-55570053-T-C.
Other names: c.920T>C, p.Val307Ala (NM_001093772.2, NM_001385285.1, NM_001385286.1); c.923T>C, p.Val308Ala (NM_001385284.1, NM_001385288.1, NM_001385290.1 and 1 more transcripts); short protein forms V308A, V307A.
Identifiers: ClinVar variation 2454109 (VCV002454109.4), dbSNP rs886480885, ClinGen allele CA96852934.

ClinVar aggregate classification (germline): Uncertain significance. Review status: criteria provided, multiple submitters, no conflicts (2 of 4 stars). 2 submissions from 2 submitters: Uncertain significance (2). Last evaluated 2025-07-22.

Conditions:
Gastrointestinal stromal tumor. Also called: Gastrointestinal stromal tumor, somatic; Gastrointestinal stroma tumor. Identifiers: Orphanet 44890, MedGen C0238198, MeSH D046152, MONDO:0011719, OMIM 606764, HP:0100723.
Hereditary cancer-predisposing syndrome. Also called: Hereditary Cancer Syndrome; Hereditary neoplastic syndrome; Neoplastic Syndromes, Hereditary; Tumor predisposition. Identifiers: Orphanet 140162, MedGen C0027672, MeSH D009386, MONDO:0015356.

Allele frequency attached by ClinVar (database versions not stated): gnomAD exomes below 0.00001; TOPMed 0.00001.
gnomAD v4.1: 2 of 1,612,050 alleles (0.00012%); highest among the groups gnomAD compares: East Asian, 0.0022%; no homozygotes.

Submissions (2):

Ambry Genetics
Classification: Uncertain significance for Hereditary cancer-predisposing syndrome. Last evaluated: 2025-07-22. Review status: criteria provided, single submitter. Criteria: Ambry Variant Classification Scheme 2023. Collection method: clinical testing. Allele origin: germline.
Comment: The p.V307A variant (also known as c.920T>C), located in coding exon 5 of the KIT gene, results from a T to C substitution at nucleotide position 920. The valine at codon 307 is replaced by alanine, an amino acid with similar properties. This amino acid position is well conserved in available vertebrate species. In addition, the in silico prediction for this alteration is inconclusive. Based on the available evidence, the clinical significance of this variant remains unclear.

Labcorp Genetics (formerly Invitae), Labcorp
Classification: Uncertain significance for Gastrointestinal stromal tumor. Last evaluated: 2025-06-16. Review status: criteria provided, single submitter. Criteria: Invitae Variant Classification Sherloc (09022015). Collection method: clinical testing. Allele origin: germline.
Comment: This sequence change replaces valine, which is neutral and non-polar, with alanine, which is neutral and non-polar, at codon 307 of the KIT protein (p.Val307Ala). This variant is not present in population databases (gnomAD no frequency). This variant has not been reported in the literature in individuals affected with KIT-related conditions. ClinVar contains an entry for this variant (Variation ID: 2454109). An algorithm developed to predict the effect of missense changes on protein structure and function (PolyPhen-2) suggests that this variant is likely to be disruptive. In summary, the available evidence is currently insufficient to determine the role of this variant in disease. Therefore, it has been classified as a Variant of Uncertain Significance.